The following is an entry in ClinVar:

ClinVar aggregate classification (germline): Uncertain significance (1 of 4 stars; one submission).

Submission:

Labcorp Genetics (formerly Invitae), Labcorp
Classification: Uncertain significance. Last evaluated: 2023-12-06. Review status: criteria provided, single submitter. Criteria: Invitae Variant Classification Sherloc (09022015). Collection method: clinical testing. Allele origin: germline.
Comment: This sequence change falls in intron 3 of the TSEN2 gene. It does not directly change the encoded amino acid sequence of the TSEN2 protein. It affects a nucleotide within the consensus splice site. This variant is not present in population databases (gnomAD no frequency). This variant has not been reported in the literature in individuals affected with TSEN2-related conditions. Variants that disrupt the consensus splice site are a relatively common cause of aberrant splicing (PMID: 17576681, 9536098). Algorithms developed to predict the effect of sequence changes on RNA splicing suggest that this variant is not likely to affect RNA splicing. In summary, the available evidence is currently insufficient to determine the role of this variant in disease. Therefore, it has been classified as a Variant of Uncertain Significance.

Literature cited by the submitters: PubMed 17576681; PubMed 9536098.

NM_025265.4(TSEN2):c.272-3C>T

Gene: TSEN2 (tRNA splicing endonuclease subunit 2; plus strand). Cytogenetic location: 3p25.2.
Variant type: single nucleotide variant.
Coding change: c.272-3C>T on transcript NM_025265.4 (MANE Select); 3 bases into the intron before coding-DNA position 272, C replaced by T.
Molecular consequence: intron variant.
Genome position (GRCh38, 1-based): chr3:12,496,515, C>T. VCF-style: chr3-12496515-C-T. GRCh37 (hg19) VCF-style: chr3-12538014-C-T.
Other names: c.272-3C>T (NM_001321278.2, NM_001321279.2, NM_001145392.2 and 3 more transcripts).
Identifiers: ClinVar variation 2781520 (VCV002781520.3), dbSNP rs2471398718, ClinGen allele CA2577510538.